The following is an entry in ClinVar:

ClinVar aggregate classification (germline): Uncertain significance (1 of 4 stars; one submission).

Conditions:
Intellectual developmental disorder, X-linked, syndromic, Raymond type. Also called: Syndromic X-linked intellectual disability Raymond type. Identifiers: MedGen C3275406, MONDO:0010427, OMIM 300799.

Submission:

3billion
Classification: Uncertain significance for Intellectual developmental disorder, X-linked, syndromic, Raymond type. Last evaluated: 2025-02-12. Review status: criteria provided, single submitter. Criteria: ACMG Guidelines, 2015. Collection method: clinical testing. Allele origin: germline. Affected: yes.
Comment: The variant is not observed in the gnomAD v4.1.0 dataset. Predicted Consequence/Location: Missense variant In silico tool predictions suggest damaging effect of the variant on gene or gene product [REVEL: 0.63 (>=0.6, sensitivity 0.68 and specificity 0.92)]. Therefore, this variant is classified as VUS according to the recommendation of ACMG/AMP guideline.

NM_016032.4(ZDHHC9):c.230T>G (p.Leu77Arg)

Gene: ZDHHC9 (zDHHC palmitoyltransferase 9; minus strand). Cytogenetic location: Xq26.1.
Variant type: single nucleotide variant.
Coding change: c.230T>G on transcript NM_016032.4 (MANE Select); coding-DNA position 230, T replaced by G.
Protein change: p.Leu77Arg; replaces leucine 77 with arginine.
Molecular consequence: missense variant.
Genome position (GRCh38, 1-based): chrX:129,829,079, A>C on the plus strand (T>G on the coding strand, the complement: ZDHHC9 is on the minus strand). VCF-style: chrX-129829079-A-C. GRCh37 (hg19) VCF-style: chrX-128963055-A-C.
Other names: c.230T>G, p.Leu77Arg (NM_001008222.3); short protein forms L77R.
Identifiers: ClinVar variation 4292764 (VCV004292764.1).